The following is an entry in ClinVar:

ClinVar aggregate classification (germline): Likely benign. Review status: criteria provided, multiple submitters, no conflicts (2 of 4 stars). 2 submissions from 2 submitters: Likely benign (2). Last evaluated 2023-04-01.

Allele frequency attached by ClinVar (database versions not stated): gnomAD 0.00001.
gnomAD v4.1: 15 of 1,609,836 alleles (0.00093%); highest among the groups gnomAD compares: Middle Eastern, 0.017%; 1 homozygote.

Submissions (2):

CeGaT Center for Human Genetics Tuebingen
Classification: Likely benign. Last evaluated: 2023-04-01. Review status: criteria provided, single submitter. Criteria: CeGaT Center For Human Genetics Tuebingen Variant Classification Criteria Version 2. Collection method: clinical testing. Allele origin: germline. Affected: yes. Observed: 1 variant allele.
Comment: TTN: BP4, BP7

Laboratory for Molecular Medicine, Mass General Brigham Personalized Medicine
Classification: Likely benign. Last evaluated: 2014-03-19. Review status: criteria provided, single submitter. Criteria: LMM Criteria. Collection method: clinical testing. Allele origin: germline. Observed: 1 variant allele.
Comment: Asn3688Asn in exon 45A of TTN: This variant is not expected to have clinical sig nificance because it does not alter an amino acid residue and is not located wit hin the splice consensus sequence. Asn3688Asn in exon 45A of TTN (allele freque ncy = n/a)

NM_133379.5(TTN):c.11064T>C (p.Asn3688=)

Gene: TTN (titin; minus strand). Cytogenetic location: 2q31.2.
Variant type: single nucleotide variant.
Coding change: c.11064T>C on transcript NM_133379.5; coding-DNA position 11064, T replaced by C.
Protein change: p.Asn3688=; no amino-acid change (asparagine 3688 retained).
Molecular consequence: synonymous variant. On other transcripts: intron variant (6).
Genome position (GRCh38, 1-based): chr2:178,751,336, A>G on the plus strand (T>C on the coding strand, the complement: TTN is on the minus strand). VCF-style: chr2-178751336-A-G. GRCh37 (hg19) VCF-style: chr2-179616063-A-G.
Other names: c.10222+1788T>C (NM_003319.4); c.10798+1788T>C (NM_133437.4); c.10597+1788T>C (NM_133432.3); c.10360+1788T>C (NM_133378.4, NM_001256850.1); c.11311+1788T>C (NM_001267550.2).
Identifiers: ClinVar variation 166280 (VCV000166280.33), dbSNP rs727503672, ClinGen allele CA179153.